The following is an entry in ClinVar:

ClinVar aggregate classification (germline): Uncertain significance (1 of 4 stars; one submission).

Conditions:
Cardiovascular phenotype. Identifiers: MedGen CN230736.

Submission:

Ambry Genetics
Classification: Uncertain significance for Cardiovascular phenotype. Last evaluated: 2017-08-17. Review status: criteria provided, single submitter. Criteria: Ambry Variant Classification Scheme 2023. Collection method: clinical testing. Allele origin: germline.
Comment: The p.I384S variant (also known as c.1151T>G), located in coding exon 9 of the ENG gene, results from a T to G substitution at nucleotide position 1151. The isoleucine at codon 384 is replaced by serine, an amino acid with dissimilar properties. This amino acid position is well conserved in available vertebrate species. In addition, the in silico prediction for this alteration is inconclusive. Since supporting evidence is limited at this time, the clinical significance of this alteration remains unclear.

NM_001114753.3(ENG):c.1151T>G (p.Ile384Ser)

Genes: ENG (endoglin; minus strand), LOC102723566 (uncharacterized LOC102723566; plus strand). Cytogenetic location: 9q34.11.
Variant type: single nucleotide variant.
Coding change: c.1151T>G on transcript NM_001114753.3 (MANE Select); coding-DNA position 1151, T replaced by G.
Protein change: p.Ile384Ser; replaces isoleucine 384 with serine.
Molecular consequence: missense variant.
Genome position (GRCh38, 1-based): chr9:127,820,021, A>C on the plus strand (T>G on the coding strand, the complement: ENG is on the minus strand). VCF-style: chr9-127820021-A-C. GRCh37 (hg19) VCF-style: chr9-130582300-A-C.
Other names: c.1151T>G, p.Ile384Ser (NM_000118.4); c.605T>G, p.Ile202Ser (NM_001278138.2); short protein forms I202S, I384S.
Identifiers: ClinVar variation 1734239 (VCV001734239.2), dbSNP rs2131879350, ClinGen allele CA374978829.